The following is an entry in ClinVar:

ClinVar aggregate classification (germline): Uncertain significance (1 of 4 stars; one submission).

gnomAD v4.1: 4 of 1,606,676 alleles (0.00025%); highest among the groups gnomAD compares: Non-Finnish European, 0.00034%; no homozygotes.

Submission:

Labcorp Genetics (formerly Invitae), Labcorp
Classification: Uncertain significance. Last evaluated: 2022-12-18. Review status: criteria provided, single submitter. Criteria: Invitae Variant Classification Sherloc (09022015). Collection method: clinical testing. Allele origin: germline.
Comment: In summary, the available evidence is currently insufficient to determine the role of this variant in disease. Therefore, it has been classified as a Variant of Uncertain Significance. Advanced modeling of protein sequence and biophysical properties (such as structural, functional, and spatial information, amino acid conservation, physicochemical variation, residue mobility, and thermodynamic stability) performed at Invitae indicates that this missense variant is not expected to disrupt PPP2R1A protein function. This variant has not been reported in the literature in individuals affected with PPP2R1A-related conditions. This variant is not present in population databases (gnomAD no frequency). This sequence change replaces glutamic acid, which is acidic and polar, with aspartic acid, which is acidic and polar, at codon 165 of the PPP2R1A protein (p.Glu165Asp).

NM_014225.6(PPP2R1A):c.495A>C (p.Glu165Asp)

Gene: PPP2R1A (protein phosphatase 2 scaffold subunit Aalpha; plus strand). Cytogenetic location: 19q13.41.
Variant type: single nucleotide variant.
Coding change: c.495A>C on transcript NM_014225.6 (MANE Select); coding-DNA position 495, A replaced by C.
Protein change: p.Glu165Asp; replaces glutamic acid 165 with aspartic acid.
Molecular consequence: missense variant. On other transcripts: 5 prime UTR variant (1), non-coding transcript variant (1).
Genome position (GRCh38, 1-based): chr19:52,211,484, A>C. VCF-style: chr19-52211484-A-C. GRCh37 (hg19) VCF-style: chr19-52714737-A-C.
Other names: c.-43A>C (NM_001363656.2); short protein forms E165D.
Identifiers: ClinVar variation 2196665 (VCV002196665.4), dbSNP rs200123377, ClinGen allele CA407183110.